The following is an entry in ClinVar:

NM_016111.4(TELO2):c.2353C>T (p.Arg785Cys)

Gene: TELO2 (telomere maintenance 2; plus strand). Cytogenetic location: 16p13.3.
Variant type: single nucleotide variant.
Coding change: c.2353C>T on transcript NM_016111.4 (MANE Select); coding-DNA position 2353, C replaced by T.
Protein change: p.Arg785Cys; replaces arginine 785 with cysteine.
Molecular consequence: missense variant.
Genome position (GRCh38, 1-based): chr16:1,507,662, C>T. VCF-style: chr16-1507662-C-T. GRCh37 (hg19) VCF-style: chr16-1557663-C-T.
Other names: c.2353C>T, p.Arg785Cys (NM_001351846.2); c.2353C>T (NM_016111.3); short protein forms R785C.
Identifiers: ClinVar variation 2187157 (VCV002187157.3), dbSNP rs201846953, ClinGen allele CA7812636.
Genomic context (GRCh38, chr16:1,507,662, plus strand): 5'-TACGTGCGCCAGGGGCTGTTGTCGGCCGTCTCCTCCGTCCTGCTCAGCCTGCCTGCTGCG[C>T]GCCTGCTGGAGGACCTGATGGACGAGCTGCTGGAAGCCCGGTCCTGGCTGGCGGGTGAGT-3'
Protein context (NP_057195.2, residues 775-795): SSVLLSLPAA[Arg785Cys]LLEDLMDELL

ClinVar aggregate classification (germline): Uncertain significance. Review status: criteria provided, multiple submitters, no conflicts (2 of 4 stars). 2 submissions from 2 submitters: Uncertain significance (2). Last evaluated 2024-02-29.

Allele frequency attached by ClinVar (database versions not stated): gnomAD 0.00005; TOPMed 0.00009; ExAC 0.00013; 1000 Genomes Project 30x 0.00016; 1000 Genomes Project 0.00020; ESP Exome Variant Server 0.00023.
gnomAD v4.1: 69 of 1,603,086 alleles (0.0043%); highest among the groups gnomAD compares: Middle Eastern, 0.017%; no homozygotes.

Submissions (2):

GeneDx
Classification: Uncertain significance. Last evaluated: 2024-02-29. Review status: criteria provided, single submitter. Criteria: GeneDx Variant Classification Process June 2021. Collection method: clinical testing. Allele origin: germline. Affected: yes.
Comment: In silico analysis supports that this missense variant does not alter protein structure/function; Has not been previously published as pathogenic or benign to our knowledge

Labcorp Genetics (formerly Invitae), Labcorp
Classification: Uncertain significance. Last evaluated: 2024-01-25. Review status: criteria provided, single submitter. Criteria: Invitae Variant Classification Sherloc (09022015). Collection method: clinical testing. Allele origin: germline.
Comment: This sequence change replaces arginine, which is basic and polar, with cysteine, which is neutral and slightly polar, at codon 785 of the TELO2 protein (p.Arg785Cys). This variant is present in population databases (rs201846953, gnomAD 0.01%). This variant has not been reported in the literature in individuals affected with TELO2-related conditions. ClinVar contains an entry for this variant (Variation ID: 2187157). Advanced modeling of protein sequence and biophysical properties (such as structural, functional, and spatial information, amino acid conservation, physicochemical variation, residue mobility, and thermodynamic stability) performed at Invitae indicates that this missense variant is not expected to disrupt TELO2 protein function with a negative predictive value of 80%. In summary, the available evidence is currently insufficient to determine the role of this variant in disease. Therefore, it has been classified as a Variant of Uncertain Significance.